The following is an entry in ClinVar:

NM_022454.4(SOX17):c.856C>A (p.Leu286Ile)

Gene: SOX17 (SRY-box transcription factor 17; plus strand). Cytogenetic location: 8q11.23.
Variant type: single nucleotide variant.
Coding change: c.856C>A on transcript NM_022454.4 (MANE Select); coding-DNA position 856, C replaced by A.
Protein change: p.Leu286Ile; replaces leucine 286 with isoleucine.
Molecular consequence: missense variant.
Genome position (GRCh38, 1-based): chr8:54,459,606, C>A. VCF-style: chr8-54459606-C-A. GRCh37 (hg19) VCF-style: chr8-55372166-C-A.
Other names: short protein forms L286I.
Identifiers: ClinVar variation 2583067 (VCV002583067.26), dbSNP rs1381547285, ClinGen allele CA371025292.

ClinVar aggregate classification (germline): Uncertain significance. Review status: criteria provided, multiple submitters, no conflicts (2 of 4 stars). 2 submissions from 2 submitters: Uncertain significance (2). Last evaluated 2025-05-06.

Allele frequency attached by ClinVar (database versions not stated): gnomAD 0.00003; TOPMed 0.00005.
gnomAD v4.1: 10 of 1,540,868 alleles (0.00065%); highest among the groups gnomAD compares: African/African-American, 0.011%; no homozygotes.

Submissions (2):

Labcorp Genetics (formerly Invitae), Labcorp
Classification: Uncertain significance. Last evaluated: 2025-05-06. Review status: criteria provided, single submitter. Criteria: Invitae Variant Classification Sherloc (09022015). Collection method: clinical testing. Allele origin: germline.
Comment: This sequence change replaces leucine, which is neutral and non-polar, with isoleucine, which is neutral and non-polar, at codon 286 of the SOX17 protein (p.Leu286Ile). The frequency data for this variant in the population databases is considered unreliable, as metrics indicate poor data quality at this position in the gnomAD database. This variant has not been reported in the literature in individuals affected with SOX17-related conditions. ClinVar contains an entry for this variant (Variation ID: 2583067). Invitae Evidence Modeling of protein sequence and biophysical properties (such as structural, functional, and spatial information, amino acid conservation, physicochemical variation, residue mobility, and thermodynamic stability) indicates that this missense variant is not expected to disrupt SOX17 protein function with a negative predictive value of 80%. In summary, the available evidence is currently insufficient to determine the role of this variant in disease. Therefore, it has been classified as a Variant of Uncertain Significance.

CeGaT Center for Human Genetics Tuebingen
Classification: Uncertain significance. Last evaluated: 2023-09-01. Review status: criteria provided, single submitter. Criteria: CeGaT Center For Human Genetics Tuebingen Variant Classification Criteria Version 2. Collection method: clinical testing. Allele origin: germline. Affected: yes. Observed: 1 variant allele.